The following is an entry in ClinVar:

ClinVar aggregate classification (germline): Uncertain significance. Review status: criteria provided, multiple submitters, no conflicts (2 of 4 stars). 3 submissions from 3 submitters: Uncertain significance (3). Last evaluated 2025-12-18.

Conditions:
CACNB2-related disorder. Also called: CACNB2-related condition.
Cardiovascular phenotype. Identifiers: MedGen CN230736.
Brugada syndrome 4 (BRGDA4). Identifiers: Orphanet 130, MedGen C2678477, MONDO:0012743, OMIM 611876.

Allele frequency attached by ClinVar (database versions not stated): gnomAD exomes below 0.00001; TOPMed below 0.00001; gnomAD 0.00001.
gnomAD v4.1: 5 of 1,613,890 alleles (0.00031%); highest among the groups gnomAD compares: Non-Finnish European, 0.00042%; no homozygotes.

Submissions (3):

PreventionGenetics, part of Exact Sciences
Classification: Uncertain significance for CACNB2-related condition. Last evaluated: 2025-12-18. Review status: criteria provided, single submitter. Criteria: ACMG Guidelines, 2015. Collection method: clinical testing. Allele origin: germline.
Comment: The CACNB2 c.423C>G variant is predicted to result in the amino acid substitution p.Phe141Leu. To our knowledge, this variant has not been reported in the literature or in a large population database (gnomAD), indicating this variant is rare. At this time, the clinical significance of this variant is uncertain due to the absence of conclusive functional and genetic evidence.

Ambry Genetics
Classification: Uncertain significance for Cardiovascular phenotype. Last evaluated: 2025-05-02. Review status: criteria provided, single submitter. Criteria: Ambry Variant Classification Scheme 2023. Collection method: clinical testing. Allele origin: germline.
Comment: The p.F141L variant (also known as c.423C>G), located in coding exon 4 of the CACNB2 gene, results from a C to G substitution at nucleotide position 423. The phenylalanine at codon 141 is replaced by leucine, an amino acid with highly similar properties. This amino acid position is conserved. In addition, this alteration is predicted to be tolerated by in silico analysis. Based on the available evidence, the clinical significance of this variant remains unclear.

Labcorp Genetics (formerly Invitae), Labcorp
Classification: Uncertain significance for Brugada syndrome 4. Last evaluated: 2022-09-17. Review status: criteria provided, single submitter. Criteria: Invitae Variant Classification Sherloc (09022015). Collection method: clinical testing. Allele origin: germline.
Comment: Advanced modeling of protein sequence and biophysical properties (such as structural, functional, and spatial information, amino acid conservation, physicochemical variation, residue mobility, and thermodynamic stability) performed at Invitae indicates that this missense variant is not expected to disrupt CACNB2 protein function. This variant has not been reported in the literature in individuals affected with CACNB2-related conditions. This variant is not present in population databases (gnomAD no frequency). This sequence change replaces phenylalanine, which is neutral and non-polar, with leucine, which is neutral and non-polar, at codon 141 of the CACNB2 protein (p.Phe141Leu). In summary, the available evidence is currently insufficient to determine the role of this variant in disease. Therefore, it has been classified as a Variant of Uncertain Significance.

NM_201596.3(CACNB2):c.585C>G (p.Phe195Leu)

Gene: CACNB2 (calcium voltage-gated channel auxiliary subunit beta 2; plus strand). Cytogenetic location: 10p12.31.
Variant type: single nucleotide variant.
Coding change: c.585C>G on transcript NM_201596.3 (MANE Select); coding-DNA position 585, C replaced by G.
Protein change: p.Phe195Leu; replaces phenylalanine 195 with leucine.
Molecular consequence: missense variant.
Genome position (GRCh38, 1-based): chr10:18,500,940, C>G. VCF-style: chr10-18500940-C-G. GRCh37 (hg19) VCF-style: chr10-18789869-C-G.
Other names: c.420C>G, p.Phe140Leu (NM_000724.4, NM_001330060.2); c.501C>G, p.Phe167Leu (NM_001167945.2, NM_201571.4, NM_201572.4); c.423C>G (NM_201590.2); c.441C>G, p.Phe147Leu (NM_001410882.1, NM_201570.3); c.423C>G, p.Phe141Leu (NM_201590.3); c.585C>G, p.Phe195Leu (NM_201593.3, NM_201597.3); short protein forms F167L, F147L, F141L, F140L, F195L.
Identifiers: ClinVar variation 2155267 (VCV002155267.4), dbSNP rs1237861204, ClinGen allele CA376058221.